The following is an entry in ClinVar:

NM_001276270.2(MBD4):c.107A>G (p.Lys36Arg)

Gene: MBD4 (methyl-CpG binding domain 4, DNA glycosylase; minus strand). Cytogenetic location: 3q21.3.
Variant type: single nucleotide variant.
Coding change: c.107A>G on transcript NM_001276270.2 (MANE Select); coding-DNA position 107, A replaced by G.
Protein change: p.Lys36Arg; replaces lysine 36 with arginine.
Molecular consequence: missense variant.
Genome position (GRCh38, 1-based): chr3:129,437,948, T>C on the plus strand (A>G on the coding strand, the complement: MBD4 is on the minus strand). VCF-style: chr3-129437948-T-C. GRCh37 (hg19) VCF-style: chr3-129156791-T-C.
Other names: c.107A>G, p.Lys36Arg (NM_001276271.2, NM_001276272.2, NM_001276273.2 and 1 more transcripts); short protein forms K36R.
Identifiers: ClinVar variation 3638584 (VCV003638584.3).

ClinVar aggregate classification (germline): Uncertain significance. Review status: criteria provided, multiple submitters, no conflicts (2 of 4 stars). 2 submissions from 2 submitters: Uncertain significance (2). Last evaluated 2025-05-16.

Conditions:
Inborn genetic diseases. Identifiers: MedGen C0950123, MeSH D030342.

Submissions (2):

Ambry Genetics
Classification: Uncertain significance for Inborn genetic diseases. Last evaluated: 2025-05-16. Review status: criteria provided, single submitter. Criteria: Ambry Variant Classification Scheme 2023. Collection method: clinical testing. Allele origin: germline.
Comment: The p.K36R variant (also known as c.107A>G), located in coding exon 2 of the MBD4 gene, results from an A to G substitution at nucleotide position 107. The lysine at codon 36 is replaced by arginine, an amino acid with highly similar properties. This amino acid position is not well conserved in available vertebrate species. In addition, this alteration is predicted to be tolerated by in silico analysis. Based on the available evidence, the clinical significance of this variant remains unclear.

Labcorp Genetics (formerly Invitae), Labcorp
Classification: Uncertain significance. Last evaluated: 2024-02-03. Review status: criteria provided, single submitter. Criteria: Invitae Variant Classification Sherloc (09022015). Collection method: clinical testing. Allele origin: germline.
Comment: This sequence change replaces lysine, which is basic and polar, with arginine, which is basic and polar, at codon 36 of the MBD4 protein (p.Lys36Arg). This variant is not present in population databases (gnomAD no frequency). This variant has not been reported in the literature in individuals affected with MBD4-related conditions. An algorithm developed to predict the effect of missense changes on protein structure and function (PolyPhen-2) suggests that this variant is likely to be tolerated. Algorithms developed to predict the effect of sequence changes on RNA splicing suggest that this variant may create or strengthen a splice site. In summary, the available evidence is currently insufficient to determine the role of this variant in disease. Therefore, it has been classified as a Variant of Uncertain Significance.